The following is an entry in ClinVar:

ClinVar aggregate classification (germline): Uncertain significance. Review status: criteria provided, multiple submitters, no conflicts (2 of 4 stars). 3 submissions from 3 submitters: Uncertain significance (3). Last evaluated 2026-02-02.

Conditions:
Arrhythmogenic right ventricular dysplasia 10. Also called: ARRHYTHMOGENIC RIGHT VENTRICULAR DYSPLASIA, FAMILIAL, 10; Arrhythmogenic Right Ventricular Dysplasia/Cardiomyopathy10; Arrhythmogenic right ventricular dysplasia/cardiomyopathy, type 10. Identifiers: MedGen C1857777, MONDO:0012434, OMIM 610193.
Arrhythmogenic right ventricular cardiomyopathy (ARVD). Also called: Arrhythmogenic right ventricular dysplasia; Cardiomyopathy, ARVC; Arrhythmogenic cardiomyopathy; Arrhythmogenic Right Ventricular Cardiomyopathy (ARVC). Identifiers: Orphanet 247, MedGen C0349788, MeSH D019571, MONDO:0016587. Disease mechanism: loss of function. Inheritance: Various modes of inheritance.

Allele frequency attached by ClinVar (database versions not stated): gnomAD exomes below 0.00001.
gnomAD v4.1: 1 of 1,614,150 alleles (0.000062%); highest among the groups gnomAD compares: Non-Finnish European, 0.000085%; no homozygotes.

Submissions (3):

Clinical Genetics Laboratory, Skane University Hospital Lund
Classification: Uncertain significance for Arrhythmogenic right ventricular cardiomyopathy. Last evaluated: 2026-02-02. Review status: criteria provided, single submitter. Criteria: ACMG Guidelines, 2015. Collection method: clinical testing. Allele origin: germline. Affected: yes.
Comment: ACMG criteria applied: PVS1_supporting, PM2.

KardioGenetik, Herz- und Diabeteszentrum NRW
Classification: Uncertain significance for Arrhythmogenic right ventricular dysplasia 10. Last evaluated: 2024-06-05. Review status: criteria provided, single submitter. Criteria: ACMG Guidelines, 2015. Collection method: clinical testing. Allele origin: unknown. Affected: yes. Observed: 1 variant allele.
Comment: PVS1_moderate, PM2_supporting, PP3

All of Us Research Program, National Institutes of Health
Classification: Uncertain significance for Arrhythmogenic right ventricular cardiomyopathy. Last evaluated: 2023-08-15. Review status: criteria provided, single submitter. Criteria: ACMG Guidelines, 2015. Collection method: clinical testing. Allele origin: germline. Inheritance: Autosomal dominant inheritance. Observed: 1 variant allele, 1 heterozygote.
Comment: This study involves interpretation of variants in research participants for the purpose of population health screening. Participant phenotype was not available at the time of variant classification. Additional details can be found in publication PMID: 35346344, PMCID: PMC8962531

NM_001943.5(DSG2):c.216+2T>C

Gene: DSG2 (desmoglein 2; plus strand). Cytogenetic location: 18q12.1.
Variant type: single nucleotide variant.
Coding change: c.216+2T>C on transcript NM_001943.5 (MANE Select); the canonical splice donor site of the intron after coding-DNA position 216, T replaced by C.
Molecular consequence: splice donor variant.
Genome position (GRCh38, 1-based): chr18:31,519,939, T>C. VCF-style: chr18-31519939-T-C. GRCh37 (hg19) VCF-style: chr18-29099902-T-C.
Identifiers: ClinVar variation 3072623 (VCV003072623.3), dbSNP rs2510910424, ClinGen allele CA402131084.
Genomic context (GRCh38, chr18:31,519,939, plus strand): 5'-CCGCCCCCGTGGCTCTTCGGGAGGGAGAGGATCTGTCCAAGAAGAATCCAATTGCCAAGG[T>C]ACCTCCTAAAGAGGAACATGAAATACATGCATATGACTAAAATGTGGTGTGAGAGGACTT-3'